The following is an entry in ClinVar:

NM_001113491.2(SEPTIN9):c.986A>G (p.Gln329Arg)

Gene: SEPTIN9 (septin 9; plus strand). Cytogenetic location: 17q25.3.
Variant type: single nucleotide variant.
Coding change: c.986A>G on transcript NM_001113491.2 (MANE Select); coding-DNA position 986, A replaced by G.
Protein change: p.Gln329Arg; replaces glutamine 329 with arginine.
Molecular consequence: missense variant.
Genome position (GRCh38, 1-based): chr17:77,487,496, A>G. VCF-style: chr17-77487496-A-G. GRCh37 (hg19) VCF-style: chr17-75483578-A-G.
Other names: c.494A>G, p.Gln165Arg (NM_001113492.2, NM_001113494.1); c.965A>G, p.Gln322Arg (NM_001113493.2); c.233A>G, p.Gln78Arg (NM_001113495.2, NM_001113496.2, NM_001293697.2 and 1 more transcripts); c.929A>G, p.Gln310Arg (NM_001293695.2); c.314A>G, p.Gln105Arg (NM_001293696.2); c.932A>G, p.Gln311Arg (NM_006640.5); short protein forms Q322R, Q165R, Q311R, Q78R, Q105R, Q310R, Q329R.
Identifiers: ClinVar variation 2964652 (VCV002964652.3), dbSNP rs1483734817, ClinGen allele CA401208733.
Genomic context (GRCh38, chr17:77,487,496, plus strand): 5'-TGGGTAAATCCACCTTAATCAACACCCTCTTCAAATCCAAAATCAGCCGGAAGTCGGTGC[A>G]GCCCACCTCAGAGGAGCGCATCCCCAAGACCATCGAGATCAAGTCCATCACGCACGGTCA-3'
Protein context (NP_001106963.1, residues 319-339): FKSKISRKSV[Gln329Arg]PTSEERIPKT

ClinVar aggregate classification (germline): Uncertain significance (1 of 4 stars; one submission).

Allele frequency attached by ClinVar (database versions not stated): gnomAD 0.00001; gnomAD exomes 0.00001; TOPMed 0.00001.
gnomAD v4.1: 13 of 1,613,298 alleles (0.00081%); highest among the groups gnomAD compares: Non-Finnish European, 0.0011%; no homozygotes.

Submission:

Labcorp Genetics (formerly Invitae), Labcorp
Classification: Uncertain significance. Last evaluated: 2024-08-05. Review status: criteria provided, single submitter. Criteria: Invitae Variant Classification Sherloc (09022015). Collection method: clinical testing. Allele origin: germline.
Comment: This sequence change replaces glutamine, which is neutral and polar, with arginine, which is basic and polar, at codon 311 of the SEPT9 protein (p.Gln311Arg). This variant is not present in population databases (gnomAD no frequency). This variant has not been reported in the literature in individuals affected with SEPT9-related conditions. Advanced modeling of protein sequence and biophysical properties (such as structural, functional, and spatial information, amino acid conservation, physicochemical variation, residue mobility, and thermodynamic stability) performed at Invitae indicates that this missense variant is not expected to disrupt SEPT9 protein function with a negative predictive value of 80%. In summary, the available evidence is currently insufficient to determine the role of this variant in disease. Therefore, it has been classified as a Variant of Uncertain Significance.